The following is an entry in ClinVar:

ClinVar aggregate classification (germline): Uncertain significance. Review status: criteria provided, multiple submitters, no conflicts (2 of 4 stars). 2 submissions from 2 submitters: Uncertain significance (2). Last evaluated 2026-01-28.

Conditions:
Bethlem myopathy 2 (BTHLM2). Identifiers: Orphanet 536516, Orphanet 610, MedGen C4225313, MONDO:0034022, OMIM 616471.
Ullrich congenital muscular dystrophy 2 (UCMD2). Identifiers: Orphanet 75840, MedGen C4225314, MONDO:0014654, OMIM 616470.

Allele frequency attached by ClinVar (database versions not stated): gnomAD exomes 0.00001.
gnomAD v4.1: 8 of 1,609,056 alleles (0.0005%); highest among the groups gnomAD compares: East Asian, 0.0022%; no homozygotes.

Submissions (2):

Labcorp Genetics (formerly Invitae), Labcorp
Classification: Uncertain significance for Bethlem myopathy 2; Ullrich congenital muscular dystrophy 2. Last evaluated: 2026-01-28. Review status: criteria provided, single submitter. Criteria: Invitae Variant Classification Sherloc (09022015). Collection method: clinical testing. Allele origin: germline.
Comment: This sequence change replaces arginine, which is basic and polar, with cysteine, which is neutral and slightly polar, at codon 3028 of the COL12A1 protein (p.Arg3028Cys). This variant is not present in population databases (gnomAD no frequency). This variant has not been reported in the literature in individuals affected with COL12A1-related conditions. ClinVar contains an entry for this variant (Variation ID: 1320338). An algorithm developed to predict the effect of missense changes on protein structure and function (PolyPhen-2) suggests that this variant is likely to be disruptive. In summary, the available evidence is currently insufficient to determine the role of this variant in disease. Therefore, it has been classified as a Variant of Uncertain Significance.

GeneDx
Classification: Uncertain significance. Last evaluated: 2024-03-28. Review status: criteria provided, single submitter. Criteria: GeneDx Variant Classification Process June 2021. Collection method: clinical testing. Allele origin: germline. Affected: yes.
Comment: Has not been previously published as pathogenic or benign to our knowledge; Not observed at significant frequency in large population cohorts (gnomAD); In silico analysis supports that this missense variant has a deleterious effect on protein structure/function

NM_004370.6(COL12A1):c.9082C>T (p.Arg3028Cys)

Gene: COL12A1 (collagen type XII alpha 1 chain; minus strand). Cytogenetic location: 6q13.
Variant type: single nucleotide variant.
Coding change: c.9082C>T on transcript NM_004370.6 (MANE Select); coding-DNA position 9082, C replaced by T.
Protein change: p.Arg3028Cys; replaces arginine 3028 with cysteine.
Molecular consequence: missense variant.
Genome position (GRCh38, 1-based): chr6:75,087,676, G>A on the plus strand (C>T on the coding strand, the complement: COL12A1 is on the minus strand). VCF-style: chr6-75087676-G-A. GRCh37 (hg19) VCF-style: chr6-75797392-G-A.
Other names: c.5590C>T, p.Arg1864Cys (NM_080645.3); short protein forms R1864C, R3028C.
Identifiers: ClinVar variation 1320338 (VCV001320338.7), dbSNP rs1767569916, ClinGen allele CA364732957.